The following is an entry in ClinVar:

ClinVar aggregate classification (germline): Uncertain significance (1 of 4 stars; one submission).

Conditions:
Multiple congenital exostosis (EXT). Also called: Hereditary multiple osteochondromas; Hereditary multiple exostoses; Hereditary multiple exostosis; Multiple osteochondromas; MULTIPLE CARTILAGINOUS EXOSTOSES; Multiple exostoses. Identifiers: Orphanet 321, MedGen C0015306, MONDO:0005508, HP:0002762.

Submission:

Labcorp Genetics (formerly Invitae), Labcorp
Classification: Uncertain significance for Multiple congenital exostosis. Last evaluated: 2025-12-29. Review status: criteria provided, single submitter. Criteria: Invitae Variant Classification Sherloc (09022015). Collection method: clinical testing. Allele origin: germline.
Comment: This sequence change replaces tyrosine, which is neutral and polar, with aspartic acid, which is acidic and polar, at codon 616 of the EXT1 protein (p.Tyr616Asp). This variant is not present in population databases (gnomAD no frequency). This variant has not been reported in the literature in individuals affected with EXT1-related conditions. Invitae Evidence Modeling of protein sequence and biophysical properties (such as structural, functional, and spatial information, amino acid conservation, physicochemical variation, residue mobility, and thermodynamic stability) indicates that this missense variant is expected to disrupt EXT1 protein function with a positive predictive value of 80%. In summary, the available evidence is currently insufficient to determine the role of this variant in disease. Therefore, it has been classified as a Variant of Uncertain Significance.

NM_000127.3(EXT1):c.1846T>G (p.Tyr616Asp)

Gene: EXT1 (exostosin glycosyltransferase 1; minus strand). Cytogenetic location: 8q24.11.
Variant type: single nucleotide variant.
Coding change: c.1846T>G on transcript NM_000127.3 (MANE Select); coding-DNA position 1846, T replaced by G.
Protein change: p.Tyr616Asp; replaces tyrosine 616 with aspartic acid.
Molecular consequence: missense variant.
Genome position (GRCh38, 1-based): chr8:117,807,254, A>C on the plus strand (T>G on the coding strand, the complement: EXT1 is on the minus strand). VCF-style: chr8-117807254-A-C. GRCh37 (hg19) VCF-style: chr8-118819493-A-C.
Other names: short protein forms Y616D.
Identifiers: ClinVar variation 4770055 (VCV004770055.1).